The following is an entry in ClinVar:

ClinVar aggregate classification (germline): Uncertain significance. Review status: criteria provided, single submitter (1 of 4 stars). 2 submissions from 2 submitters: Uncertain significance (1). 1 of the submissions does not count toward it. Last evaluated 2022-07-22.

Conditions:
Arginase deficiency. Also called: ARGININEMIA; ARG1 DEFICIENCY; Arginase 1 Deficiency. Identifiers: Orphanet 90, MedGen C0268548, MONDO:0008814, OMIM 207800.

Submissions (2):

Labcorp Genetics (formerly Invitae), Labcorp
Classification: Uncertain significance for Arginase deficiency. Last evaluated: 2022-07-22. Review status: criteria provided, single submitter. Criteria: Invitae Variant Classification Sherloc (09022015). Collection method: clinical testing. Allele origin: germline.
Comment: This variant, c.124_126del, results in the deletion of 1 amino acid(s) of the ARG1 protein (p.Glu42del), but otherwise preserves the integrity of the reading frame. This variant is present in population databases (rs779949397, gnomAD 0.0009%). This variant has not been reported in the literature in individuals affected with ARG1-related conditions. ClinVar contains an entry for this variant (Variation ID: 554020). Experimental studies and prediction algorithms are not available or were not evaluated, and the functional significance of this variant is currently unknown. In summary, the available evidence is currently insufficient to determine the role of this variant in disease. Therefore, it has been classified as a Variant of Uncertain Significance.

Counsyl
Classification: Uncertain significance for Arginase deficiency. Last evaluated: 2017-09-24. Review status: no assertion criteria provided. Collection method: clinical testing. Allele origin: unknown. Not counted in ClinVar's aggregate classification.

NM_000045.4(ARG1):c.124_126del (p.Glu42del)

Genes: ARG1 (arginase 1; plus strand), MED23 (mediator complex subunit 23; minus strand). Cytogenetic location: 6q23.2.
Variant type: Deletion.
Coding change: c.124_126del on transcript NM_000045.4 (MANE Select); coding-DNA positions 124 to 126, 3 bases deleted (GAA; older notation c.124_126delGAA).
Protein change: p.Glu42del; deletes glutamic acid 42.
Molecular consequence: inframe deletion. On other transcripts: intron variant (2).
Genome position (GRCh38, 1-based): chr6:131,576,729-131,576,731, GAA deleted; deleting any 3 consecutive bases within chr6:131,576,727-131,576,731 gives the same sequence; the c. name uses the placement nearest the transcript's 3' end. VCF-style (leftmost placement, unchanged base first): chr6-131576726-AAAG-A. GRCh37 (hg19) VCF-style: chr6-131897866-AAAG-A.
Other names: c.124_126del, p.Glu42del (NM_001244438.2, NM_001369020.1); c.4078-2434_4078-2432del (NM_001270521.2); c.4096-2434_4096-2432del (NM_015979.4); short protein forms E42del.
Identifiers: ClinVar variation 554020 (VCV000554020.6), dbSNP rs779949397, ClinGen allele CA3999172.